The following is an entry in ClinVar:

ClinVar aggregate classification (germline): Uncertain significance. Review status: criteria provided, multiple submitters, no conflicts (2 of 4 stars). 2 submissions from 2 submitters: Uncertain significance (2). Last evaluated 2026-01-11.

Conditions:
Hereditary cancer-predisposing syndrome. Also called: Hereditary Cancer Syndrome; Hereditary neoplastic syndrome; Tumor predisposition; Neoplastic Syndromes, Hereditary. Identifiers: Orphanet 140162, MedGen C0027672, MeSH D009386, MONDO:0015356.
Cardiovascular phenotype. Identifiers: MedGen CN230736.

Submissions (2):

Labcorp Genetics (formerly Invitae), Labcorp
Classification: Uncertain significance. Last evaluated: 2026-01-11. Review status: criteria provided, single submitter. Criteria: Invitae Variant Classification Sherloc (09022015). Collection method: clinical testing. Allele origin: germline.
Comment: This sequence change replaces arginine, which is basic and polar, with lysine, which is basic and polar, at codon 472 of the LZTR1 protein (p.Arg472Lys). This variant is not present in population databases (gnomAD no frequency). This variant has not been reported in the literature in individuals affected with LZTR1-related conditions. ClinVar contains an entry for this variant (Variation ID: 3541629). Invitae Evidence Modeling of protein sequence and biophysical properties (such as structural, functional, and spatial information, amino acid conservation, physicochemical variation, residue mobility, and thermodynamic stability) indicates that this missense variant is not expected to disrupt LZTR1 protein function with a negative predictive value of 80%. In summary, the available evidence is currently insufficient to determine the role of this variant in disease. Therefore, it has been classified as a Variant of Uncertain Significance.

Ambry Genetics
Classification: Uncertain significance for Cardiovascular phenotype; Hereditary cancer-predisposing syndrome. Last evaluated: 2024-09-16. Review status: criteria provided, single submitter. Criteria: Ambry Variant Classification Scheme 2023. Collection method: clinical testing. Allele origin: germline.
Comment: The p.R472K variant (also known as c.1415G>A), located in coding exon 13 of the LZTR1 gene, results from a G to A substitution at nucleotide position 1415. The arginine at codon 472 is replaced by lysine, an amino acid with highly similar properties. This amino acid position is conserved. In addition, this alteration is predicted to be tolerated by in silico analysis. Based on the available evidence, the clinical significance of this variant remains unclear.

NM_006767.4(LZTR1):c.1415G>A (p.Arg472Lys)

Gene: LZTR1 (leucine zipper like post translational regulator 1; plus strand). Cytogenetic location: 22q11.21.
Variant type: single nucleotide variant.
Coding change: c.1415G>A on transcript NM_006767.4 (MANE Select); coding-DNA position 1415, G replaced by A.
Protein change: p.Arg472Lys; replaces arginine 472 with lysine.
Molecular consequence: missense variant.
Genome position (GRCh38, 1-based): chr22:20,993,985, G>A. VCF-style: chr22-20993985-G-A. GRCh37 (hg19) VCF-style: chr22-21348274-G-A.
Other names: short protein forms R472K.
Identifiers: ClinVar variation 3541629 (VCV003541629.2).